The following is an entry in ClinVar:

ClinVar aggregate classification (germline): Likely pathogenic (1 of 4 stars; one submission).

Conditions:
Autosomal recessive Alport syndrome (ATS2). Also called: ALPORT SYNDROME 2, AUTOSOMAL RECESSIVE; Alport syndrome type 2; COL4A4 Alport Syndrome and Thin Basement Membrane Nephropathy; COL4A3-Related Nephropathy. Identifiers: Orphanet 63, Orphanet 88919, MedGen C4746745, MONDO:0008762, OMIM 203780.

Submission:

Myriad Genetics, Inc.
Classification: Likely pathogenic for Autosomal recessive Alport syndrome. Last evaluated: 2019-05-09. Review status: criteria provided, single submitter. Criteria: Myriad Women's Health Autosomal Recessive and X-Linked Classification Criteria (2019). Collection method: clinical testing. Allele origin: unknown.
Comment: NM_000091.4(COL4A3):c.3373G>T(G1125*) is expected to be pathogenic in the context of COL4A3-related Alport syndrome. This variant is predicted to lead to an abnormal or absent protein product due to the creation of a premature termination codon in COL4A3, a gene where loss-of-function variants are known to be pathogenic. Please note: this variant was assessed in the context of healthy population screening.

NM_000091.5(COL4A3):c.3373G>T (p.Gly1125Ter)

Genes: COL4A3 (collagen type IV alpha 3 chain; plus strand), MFF-DT (MFF divergent transcript; minus strand). Cytogenetic location: 2q36.3.
Variant type: single nucleotide variant.
Coding change: c.3373G>T on transcript NM_000091.5 (MANE Select); coding-DNA position 3373, G replaced by T.
Protein change: p.Gly1125Ter; replaces glycine 1125 with a stop codon.
Molecular consequence: nonsense.
Genome position (GRCh38, 1-based): chr2:227,294,525, G>T. VCF-style: chr2-227294525-G-T. GRCh37 (hg19) VCF-style: chr2-228159241-G-T.
Other names: short protein forms G1125*.
Identifiers: ClinVar variation 983597 (VCV000983597.3), dbSNP rs2072936636, ClinGen allele CA350858560.